The following is an entry in ClinVar:

ClinVar aggregate classification (germline): Pathogenic (1 of 4 stars; one submission).

Submission:

Labcorp Genetics (formerly Invitae), Labcorp
Classification: Pathogenic. Last evaluated: 2022-11-07. Review status: criteria provided, single submitter. Criteria: Invitae Variant Classification Sherloc (09022015). Collection method: clinical testing. Allele origin: germline.
Comment: This variant disrupts a region of the PCDH15 protein in which other variant(s) (p.Val1578Alafs*6) have been determined to be pathogenic (PMID: 33089500). This suggests that this is a clinically significant region of the protein, and that variants that disrupt it are likely to be disease-causing. For these reasons, this variant has been classified as Pathogenic. This variant has not been reported in the literature in individuals affected with PCDH15-related conditions. This variant is not present in population databases (gnomAD no frequency). This sequence change creates a premature translational stop signal (p.Trp1574*) in the PCDH15 gene. While this is not anticipated to result in nonsense mediated decay, it is expected to disrupt the last 382 amino acid(s) of the PCDH15 protein.

Literature cited by the submitters: PubMed 33089500.

NM_033056.4(PCDH15):c.4721G>A (p.Trp1574Ter)

Gene: PCDH15 (protocadherin related 15; minus strand). Cytogenetic location: 10q21.1.
Variant type: single nucleotide variant.
Coding change: c.4721G>A on transcript NM_033056.4 (MANE Plus Clinical); coding-DNA position 4721, G replaced by A.
Protein change: p.Trp1574Ter; replaces tryptophan 1574 with a stop codon.
Molecular consequence: nonsense. On other transcripts: intron variant (8).
Genome position (GRCh38, 1-based): chr10:53,823,005, C>T on the plus strand (G>A on the coding strand, the complement: PCDH15 is on the minus strand). VCF-style: chr10-53823005-C-T. GRCh37 (hg19) VCF-style: chr10-55582765-C-T.
Other names: c.4742G>A, p.Trp1581Ter (NM_001142763.2); c.4727G>A, p.Trp1576Ter (NM_001142764.2); c.4514G>A, p.Trp1505Ter (NM_001142765.2); c.4712G>A, p.Trp1571Ter (NM_001142766.2); c.4601G>A, p.Trp1534Ter (NM_001142767.2); c.4661G>A, p.Trp1554Ter (NM_001142768.2); c.4652G>A, p.Trp1551Ter (NM_001142773.2); c.4655G>A, p.Trp1552Ter (NM_001354404.2); and 6 more; short protein forms W1552*, W1505*, W1534*, W1571*, W1574*, W1576*, W1551*, W1554*.
Identifiers: ClinVar variation 2811110 (VCV002811110.3), dbSNP rs2492400327, ClinGen allele CA376526720.